The following is an entry in ClinVar:

NM_021830.5(TWNK):c.1746A>C (p.Glu582Asp)

Gene: TWNK (twinkle mtDNA helicase; plus strand). Cytogenetic location: 10q24.31.
Variant type: single nucleotide variant.
Coding change: c.1746A>C on transcript NM_021830.5 (MANE Select); coding-DNA position 1746, A replaced by C.
Protein change: p.Glu582Asp; replaces glutamic acid 582 with aspartic acid.
Molecular consequence: missense variant. On other transcripts: 3 prime UTR variant (2), non-coding transcript variant (5).
Genome position (GRCh38, 1-based): chr10:100,993,201, A>C. VCF-style: chr10-100993201-A-C. GRCh37 (hg19) VCF-style: chr10-102752958-A-C.
Other names: c.*41A>C (NM_001163812.2, NM_001163814.2); c.384A>C, p.Glu128Asp (NM_001163813.2, NM_001368275.1); short protein forms E128D, E582D.
Identifiers: ClinVar variation 4704157 (VCV004704157.1).
Genomic context (GRCh38, chr10:100,993,201, plus strand): 5'-CTCATGTCCTCTTACTCCTGCTTTCCTCCTTCTGCCCCCTGTTCCCCAGGCAAGCCAGGA[A>C]GCAGACAATGTTCTGATCCTGCAGGACAGGAAGCTGGTAACCGGGCCAGGGAAACGGTAT-3'
Protein context (NP_068602.2, residues 572-592): SIFGSAKASQ[Glu582Asp]ADNVLILQDR

ClinVar aggregate classification (germline): Uncertain significance (1 of 4 stars; one submission).

gnomAD v4.1: 5 of 1,614,172 alleles (0.00031%); highest among the groups gnomAD compares: Admixed American, 0.0083%; no homozygotes.

Submission:

Labcorp Genetics (formerly Invitae), Labcorp
Classification: Uncertain significance. Last evaluated: 2025-10-26. Review status: criteria provided, single submitter. Criteria: Invitae Variant Classification Sherloc (09022015). Collection method: clinical testing. Allele origin: germline.
Comment: This sequence change replaces glutamic acid, which is acidic and polar, with aspartic acid, which is acidic and polar, at codon 582 of the TWNK protein (p.Glu582Asp). This variant is present in population databases (no rsID available, gnomAD 0.009%). This variant has not been reported in the literature in individuals affected with TWNK-related conditions. Invitae Evidence Modeling of protein sequence and biophysical properties (such as structural, functional, and spatial information, amino acid conservation, physicochemical variation, residue mobility, and thermodynamic stability) indicates that this missense variant is expected to disrupt TWNK protein function with a positive predictive value of 95%. In summary, the available evidence is currently insufficient to determine the role of this variant in disease. Therefore, it has been classified as a Variant of Uncertain Significance.